The following is an entry in ClinVar:

ClinVar aggregate classification (germline): Uncertain significance. Review status: criteria provided, multiple submitters, no conflicts (2 of 4 stars). 2 submissions from 2 submitters: Uncertain significance (2). Last evaluated 2025-01-10.

Conditions:
Inborn genetic diseases. Identifiers: MedGen C0950123, MeSH D030342.

gnomAD v4.1: 6 of 1,613,892 alleles (0.00037%); highest among the groups gnomAD compares: Non-Finnish European, 0.00051%; no homozygotes.

Submissions (2):

Ambry Genetics
Classification: Uncertain significance for Inborn genetic diseases. Last evaluated: 2025-01-10. Review status: criteria provided, single submitter. Criteria: Ambry Variant Classification Scheme 2023. Collection method: clinical testing. Allele origin: germline.
Comment: The p.D1442E variant (also known as c.4326T>A), located in coding exon 1 of the SAMD9L gene, results from a T to A substitution at nucleotide position 4326. The aspartic acid at codon 1442 is replaced by glutamic acid, an amino acid with highly similar properties. This amino acid position is conserved. In addition, this alteration is predicted to be tolerated by in silico analysis. Based on the available evidence, the clinical significance of this variant remains unclear.

Labcorp Genetics (formerly Invitae), Labcorp
Classification: Uncertain significance. Last evaluated: 2024-12-12. Review status: criteria provided, single submitter. Criteria: Invitae Variant Classification Sherloc (09022015). Collection method: clinical testing. Allele origin: germline.
Comment: This sequence change replaces aspartic acid, which is acidic and polar, with glutamic acid, which is acidic and polar, at codon 1442 of the SAMD9L protein (p.Asp1442Glu). This variant is not present in population databases (gnomAD no frequency). This variant has not been reported in the literature in individuals affected with SAMD9L-related conditions. ClinVar contains an entry for this variant (Variation ID: 2305466). Invitae Evidence Modeling of protein sequence and biophysical properties (such as structural, functional, and spatial information, amino acid conservation, physicochemical variation, residue mobility, and thermodynamic stability) indicates that this missense variant is not expected to disrupt SAMD9L protein function with a negative predictive value of 80%. In summary, the available evidence is currently insufficient to determine the role of this variant in disease. Therefore, it has been classified as a Variant of Uncertain Significance.

NM_152703.5(SAMD9L):c.4326T>A (p.Asp1442Glu)

Gene: SAMD9L (sterile alpha motif domain containing 9 like; minus strand). Cytogenetic location: 7q21.2.
Variant type: single nucleotide variant.
Coding change: c.4326T>A on transcript NM_152703.5 (MANE Select); coding-DNA position 4326, T replaced by A.
Protein change: p.Asp1442Glu; replaces aspartic acid 1442 with glutamic acid.
Molecular consequence: missense variant.
Genome position (GRCh38, 1-based): chr7:93,131,646, A>T on the plus strand (T>A on the coding strand, the complement: SAMD9L is on the minus strand). VCF-style: chr7-93131646-A-T. GRCh37 (hg19) VCF-style: chr7-92760959-A-T.
Other names: c.4326T>A, p.Asp1442Glu (NM_001303496.3, NM_001303497.3, NM_001303498.3 and 5 more transcripts); short protein forms D1442E.
Identifiers: ClinVar variation 2305466 (VCV002305466.5), dbSNP rs779138290, ClinGen allele CA368174498.